The following is an entry in ClinVar:

ClinVar aggregate classification (germline): Uncertain significance (1 of 4 stars; one submission).

Allele frequency attached by ClinVar (database versions not stated): gnomAD exomes below 0.00001; TOPMed 0.00001.
gnomAD v4.1: 2 of 1,613,726 alleles (0.00012%); highest among the groups gnomAD compares: African/African-American, 0.0013%; no homozygotes.

Submission:

Labcorp Genetics (formerly Invitae), Labcorp
Classification: Uncertain significance. Last evaluated: 2022-02-27. Review status: criteria provided, single submitter. Criteria: Invitae Variant Classification Sherloc (09022015). Collection method: clinical testing. Allele origin: germline.
Comment: In summary, the available evidence is currently insufficient to determine the role of this variant in disease. Therefore, it has been classified as a Variant of Uncertain Significance. Algorithms developed to predict the effect of missense changes on protein structure and function are either unavailable or do not agree on the potential impact of this missense change (SIFT: "Deleterious"; PolyPhen-2: "Benign"; Align-GVGD: "Class C25"). This variant has not been reported in the literature in individuals affected with EXOSC9-related conditions. This variant is not present in population databases (gnomAD no frequency). This sequence change replaces isoleucine, which is neutral and non-polar, with threonine, which is neutral and polar, at codon 303 of the EXOSC9 protein (p.Ile303Thr).

NM_005033.3(EXOSC9):c.908T>C (p.Ile303Thr)

Gene: EXOSC9 (exosome component 9; plus strand). Cytogenetic location: 4q27.
Variant type: single nucleotide variant.
Coding change: c.908T>C on transcript NM_005033.3 (MANE Select); coding-DNA position 908, T replaced by C.
Protein change: p.Ile303Thr; replaces isoleucine 303 with threonine.
Molecular consequence: missense variant.
Genome position (GRCh38, 1-based): chr4:121,813,314, T>C. VCF-style: chr4-121813314-T-C. GRCh37 (hg19) VCF-style: chr4-122734469-T-C.
Other names: c.908T>C, p.Ile303Thr (NM_001034194.2); short protein forms I303T.
Identifiers: ClinVar variation 2160575 (VCV002160575.4), dbSNP rs990820305, ClinGen allele CA104738020.